The following is an entry in ClinVar:

NM_006846.4(SPINK5):c.1414A>T (p.Met472Leu)

Gene: SPINK5 (serine peptidase inhibitor Kazal type 5; plus strand). Cytogenetic location: 5q32.
Variant type: single nucleotide variant.
Coding change: c.1414A>T on transcript NM_006846.4 (MANE Select); coding-DNA position 1414, A replaced by T.
Protein change: p.Met472Leu; replaces methionine 472 with leucine.
Molecular consequence: missense variant.
Genome position (GRCh38, 1-based): chr5:148,101,892, A>T. VCF-style: chr5-148101892-A-T. GRCh37 (hg19) VCF-style: chr5-147481455-A-T.
Other names: c.1414A>T, p.Met472Leu (NM_001127698.2, NM_001127699.2); short protein forms M472L.
Identifiers: ClinVar variation 2418808 (VCV002418808.5), dbSNP rs571568918, ClinGen allele CA3495583.

ClinVar aggregate classification (germline): Uncertain significance. Review status: criteria provided, multiple submitters, no conflicts (2 of 4 stars). 2 submissions from 2 submitters: Uncertain significance (2). Last evaluated 2025-08-30.

Conditions:
Inborn genetic diseases. Identifiers: MedGen C0950123, MeSH D030342.
Netherton syndrome (NETH). Also called: NETHERTON DISEASE; ERYTHRODERMA, ICHTHYOSIFORM, WITH HYPOTRICHOSIS AND HYPER-IgE; COMEL-NETHERTON SYNDROME. Identifiers: Orphanet 634, MedGen C5574950, MONDO:0009735, OMIM 256500.

Allele frequency attached by ClinVar (database versions not stated): gnomAD 0.00003; TOPMed 0.00004; 1000 Genomes Project 0.00020; gnomAD exomes 0.00001; ExAC 0.00002; 1000 Genomes Project 30x 0.00031.
gnomAD v4.1: 12 of 1,613,612 alleles (0.00074%); highest among the groups gnomAD compares: African/African-American, 0.013%; no homozygotes.

Submissions (2):

Ambry Genetics
Classification: Uncertain significance for Inborn genetic diseases. Last evaluated: 2025-08-30. Review status: criteria provided, single submitter. Criteria: Ambry Variant Classification Scheme 2023. Collection method: clinical testing. Allele origin: germline.

Labcorp Genetics (formerly Invitae), Labcorp
Classification: Uncertain significance for Ichthyosis linearis circumflexa. Last evaluated: 2022-02-09. Review status: criteria provided, single submitter. Criteria: Invitae Variant Classification Sherloc (09022015). Collection method: clinical testing. Allele origin: germline.
Comment: This sequence change replaces methionine, which is neutral and non-polar, with leucine, which is neutral and non-polar, at codon 472 of the SPINK5 protein (p.Met472Leu). This variant is present in population databases (rs571568918, gnomAD 0.02%). This variant has not been reported in the literature in individuals affected with SPINK5-related conditions. Algorithms developed to predict the effect of missense changes on protein structure and function are either unavailable or do not agree on the potential impact of this missense change (SIFT: "Tolerated"; PolyPhen-2: "Possibly Damaging"; Align-GVGD: "Class C0"). In summary, the available evidence is currently insufficient to determine the role of this variant in disease. Therefore, it has been classified as a Variant of Uncertain Significance.